The following is an entry in ClinVar:

ClinVar aggregate classification (germline): Uncertain significance (1 of 4 stars; one submission).

Conditions:
Autosomal recessive limb-girdle muscular dystrophy type 2L (LGMDR12). Also called: MUSCULAR DYSTROPHY, LIMB-GIRDLE, AUTOSOMAL RECESSIVE 12; Limb-Girdle Muscular Dystrophy R12 Anoctamin-5-Related (LGMD-R12); Limb-girdle muscular dystrophy, type 2L. Identifiers: Orphanet 206549, MedGen C1969785, MONDO:0012652, OMIM 611307.
Gnathodiaphyseal dysplasia (GDD). Also called: GNATHODIAPHYSEAL SCLEROSIS; OSTEOGENESIS IMPERFECTA WITH UNUSUAL SKELETAL LESIONS. Identifiers: Orphanet 53697, MedGen C1833736, MONDO:0008151, OMIM 166260.

Submission:

Labcorp Genetics (formerly Invitae), Labcorp
Classification: Uncertain significance for Autosomal recessive limb-girdle muscular dystrophy type 2L; Gnathodiaphyseal dysplasia. Last evaluated: 2020-08-22. Review status: criteria provided, single submitter. Criteria: Invitae Variant Classification Sherloc (09022015). Collection method: clinical testing. Allele origin: germline.
Comment: This variant is a gross duplication of the genomic region encompassing exons 20-21 of the ANO5 gene. The 5' boundary is likely confined to intron 19. The 3' end of this deletion is unknown as it extends beyond the assayed region for this gene and therefore may encompass additional genes. This duplication has not been previously reported in the literature in individuals with an ANO5-related disorder. In summary, this is a sub-genic duplication with unknown impact on protein function. It has been classified as a Variant of Uncertain Significance.

NC_000011.9:g.(?_22297630)_(22301321_?)dup

Gene: ANO5 (anoctamin 5; plus strand). Cytogenetic location: 11p14.3.
Variant type: Duplication.
Identifiers: ClinVar variation 1008639 (VCV001008639.1).